The following is an entry in ClinVar:

NM_001365276.2(TNXB):c.2947G>A (p.Ala983Thr)

Gene: TNXB (tenascin XB; minus strand). Cytogenetic location: 6p21.33.
Variant type: single nucleotide variant.
Coding change: c.2947G>A on transcript NM_001365276.2 (MANE Select); coding-DNA position 2947, G replaced by A.
Protein change: p.Ala983Thr; replaces alanine 983 with threonine.
Molecular consequence: missense variant.
Genome position (GRCh38, 1-based): chr6:32,085,951, C>T on the plus strand (G>A on the coding strand, the complement: TNXB is on the minus strand). VCF-style: chr6-32085951-C-T. GRCh37 (hg19) VCF-style: chr6-32053728-C-T.
Other names: p.Ala983Thr; c.2947G>A, p.Ala983Thr (NM_019105.8); short protein forms A983T.
Identifiers: ClinVar variation 1186670 (VCV001186670.15), dbSNP rs138850364, ClinGen allele CA3735287.
Genomic context (GRCh38, chr6:32,085,951, plus strand): 5'-CCCCCGGCCCCTCGGGCACCCGCATGCGCAGTTGGAAGTAGGCAAAGGTGTCAGGCTGGG[C>T]GGTCCAGACCACACGGAGGCGCCCTGTCTCATCTCTGCCCAGCACCCTCAACTCTCCCAG-3'
Protein context (NP_001352205.1, residues 973-993): ETGRLRVVWT[Ala983Thr]QPDTFAYFQL

ClinVar aggregate classification (germline): Conflicting classifications of pathogenicity. Review status: criteria provided, conflicting classifications (1 of 4 stars). 5 submissions from 5 submitters: Uncertain significance (3); Likely benign (2). Last evaluated 2026-10-12.

Conditions:
TNXB-related disorder. Also called: TNXB-related condition.
Cardiovascular phenotype. Identifiers: MedGen CN230736.

Allele frequency attached by ClinVar (database versions not stated): ExAC 0.00025; TOPMed 0.00039; 1000 Genomes Project 30x 0.00109; gnomAD 0.00038 and 0.00037; 1000 Genomes Project 0.00120; gnomAD exomes 0.00023.
gnomAD v4.1: 239 of 1,608,170 alleles (0.015%); highest among the groups gnomAD compares: Middle Eastern, 0.13%; 2 homozygotes.

Submissions (5):

GeneDx
Classification: Uncertain significance. Last evaluated: 2026-10-12. Review status: criteria provided, single submitter. Criteria: GeneDx Variant Classification Process June 2021. Collection method: clinical testing. Allele origin: germline.
Comment: Has not been previously published as pathogenic or benign to our knowledge; In silico analysis suggests that this missense variant does not alter protein structure/function

Mayo Clinic Laboratories, Mayo Clinic
Classification: Likely benign. Last evaluated: 2025-09-18. Review status: criteria provided, single submitter. Criteria: ACMG Guidelines, 2015. Collection method: clinical testing. Allele origin: germline. Observed: 3 variant alleles.
Comment: BP4

PreventionGenetics, part of Exact Sciences
Classification: Uncertain significance for TNXB-related condition. Last evaluated: 2025-05-16. Review status: criteria provided, single submitter. Criteria: ACMG Guidelines, 2015. Collection method: clinical testing. Allele origin: germline.
Comment: The TNXB c.2947G>A variant is predicted to result in the amino acid substitution p.Ala983Thr. To our knowledge, this variant has not been reported in the literature. This variant is reported in 0.12% of alleles in individuals of African descent in gnomAD. Although we suspect that this variant may be benign, at this time, the clinical significance of this variant is uncertain due to the absence of conclusive functional and genetic evidence.

Women's Health and Genetics/Laboratory Corporation of America, LabCorp
Classification: Uncertain significance. Last evaluated: 2025-03-28. Review status: criteria provided, single submitter. Criteria: LabCorp Variant Classification Summary - May 2015. Collection method: clinical testing. Allele origin: germline.
Comment: Variant summary: TNXB c.2947G>A (p.Ala983Thr) results in a non-conservative amino acid change located in the Fibronectin type 3 domain (IPR003961) of the encoded protein sequence. Two of four in-silico tools predict a benign effect of the variant on protein function. The variant allele was found at a frequency of 0.00023 in 243656 control chromosomes, predominantly at a frequency of 0.0011 within the African or African-American subpopulation in the gnomAD database. This frequency is not significantly higher than estimated for a pathogenic variant in TNXB causing Ehlers-Danlos syndrome due to tenascin-X deficiency (0.00023 vs 0.0011), allowing no conclusion about variant significance. To our knowledge, no occurrence of c.2947G>A in individuals affected with Ehlers-Danlos syndrome due to tenascin-X deficiency and no experimental evidence demonstrating its impact on protein function have been reported. ClinVar contains an entry for this variant (Variation ID: 1186670). Based on the evidence outlined above, the variant was classified as uncertain significance.

Ambry Genetics
Classification: Likely benign for Cardiovascular phenotype. Last evaluated: 2024-07-29. Review status: criteria provided, single submitter. Criteria: Ambry Variant Classification Scheme 2023. Collection method: clinical testing. Allele origin: germline.